The following is an entry in ClinVar:

ClinVar aggregate classification (germline): Conflicting classifications of pathogenicity. Review status: criteria provided, conflicting classifications (1 of 4 stars). 3 submissions from 3 submitters: Pathogenic (1); Uncertain significance (2). Last evaluated 2024-01-23.

Conditions:
WDR19-related disorder. Also called: WDR19-related disorders; WDR19-related condition. Identifiers: MedGen CN380161.
Asphyxiating thoracic dystrophy 5 (SRTD5). Also called: SHORT-RIB THORACIC DYSPLASIA 5 WITHOUT POLYDACTYLY; SHORT-RIB THORACIC DYSPLASIA 5 WITH OR WITHOUT POLYDACTYLY. Identifiers: Orphanet 474, MedGen C3280598, MONDO:0013717, OMIM 614376.
Nephronophthisis 13 (NPHP13). Identifiers: Orphanet 655, MedGen C3280612, MONDO:0013718, OMIM 614377.
Cranioectodermal dysplasia 4 (CED4). Identifiers: Orphanet 1515, MedGen C3280616, MONDO:0013719, OMIM 614378.
Spermatogenic failure 72 (SPGF72). Identifiers: MedGen C5676980, MONDO:0030809, OMIM 619867.
Senior-Loken syndrome 8 (SLSN8). Identifiers: Orphanet 3156, MedGen C4225376, MONDO:0014579, OMIM 616307.

Allele frequency attached by ClinVar (database versions not stated): gnomAD exomes below 0.00001 and 0.00001; gnomAD 0.00002; TOPMed 0.00002.
gnomAD v4.1: 23 of 1,612,726 alleles (0.0014%); highest among the groups gnomAD compares: East Asian, 0.0022%; no homozygotes.

Submissions (3):

Fulgent Genetics
Classification: Uncertain significance for Asphyxiating thoracic dystrophy 5; Nephronophthisis 13; Cranioectodermal dysplasia 4; Senior-Loken syndrome 8; Spermatogenic failure 72. Last evaluated: 2024-01-23. Review status: criteria provided, single submitter. Criteria: ACMG Guidelines, 2015. Collection method: clinical testing. Allele origin: germline.

Blueprint Genetics
Classification: Pathogenic for WDR19-related disorders. Last evaluated: 2023-06-13. Review status: criteria provided, single submitter. Criteria: ACMG Guidelines, 2015. Collection method: clinical testing. Allele origin: germline. Affected: yes. Observed: 5 variant alleles.

Labcorp Genetics (formerly Invitae), Labcorp
Classification: Uncertain significance for Senior-Loken syndrome 8; Asphyxiating thoracic dystrophy 5. Last evaluated: 2022-02-09. Review status: criteria provided, single submitter. Criteria: Invitae Variant Classification Sherloc (09022015). Collection method: clinical testing. Allele origin: germline.
Comment: This sequence change replaces arginine, which is basic and polar, with cysteine, which is neutral and slightly polar, at codon 929 of the WDR19 protein (p.Arg929Cys). The frequency data for this variant in the population databases is considered unreliable, as metrics indicate poor data quality at this position in the gnomAD database. This missense change has been observed in individual(s) with retinal dystrophy (PMID: 32037395). Algorithms developed to predict the effect of missense changes on protein structure and function (SIFT, PolyPhen-2, Align-GVGD) all suggest that this variant is likely to be disruptive. In summary, the available evidence is currently insufficient to determine the role of this variant in disease. Therefore, it has been classified as a Variant of Uncertain Significance.

Literature cited by the submitters: PubMed 32037395 (cited by Labcorp Genetics (formerly Invitae), Labcorp).

NM_025132.4(WDR19):c.2785C>T (p.Arg929Cys)

Gene: WDR19 (WD repeat domain 19; plus strand). Cytogenetic location: 4p14.
Variant type: single nucleotide variant.
Coding change: c.2785C>T on transcript NM_025132.4 (MANE Select); coding-DNA position 2785, C replaced by T.
Protein change: p.Arg929Cys; replaces arginine 929 with cysteine.
Molecular consequence: missense variant.
Genome position (GRCh38, 1-based): chr4:39,253,201, C>T. VCF-style: chr4-39253201-C-T. GRCh37 (hg19) VCF-style: chr4-39254821-C-T.
Other names: c.2305C>T, p.Arg769Cys (NM_001317924.2); short protein forms R929C, R769C.
Identifiers: ClinVar variation 1381897 (VCV001381897.5), dbSNP rs1470166429, ClinGen allele CA356641264.